The following is an entry in ClinVar:

ClinVar aggregate classification (germline): Uncertain significance. Review status: criteria provided, multiple submitters, no conflicts (2 of 4 stars). 2 submissions from 2 submitters: Uncertain significance (2). Last evaluated 2025-05-01.

Conditions:
Cardiovascular phenotype. Identifiers: MedGen CN230736.

Allele frequency attached by ClinVar (database versions not stated): TOPMed below 0.00001.
gnomAD v4.1: 1 of 1,611,792 alleles (0.000062%); highest among the groups gnomAD compares: Non-Finnish European, 0.000085%; no homozygotes.

Submissions (2):

Ambry Genetics
Classification: Uncertain significance for Cardiovascular phenotype. Last evaluated: 2025-05-01. Review status: criteria provided, single submitter. Criteria: Ambry Variant Classification Scheme 2023. Collection method: clinical testing. Allele origin: germline.

GeneDx
Classification: Uncertain significance. Last evaluated: 2024-06-30. Review status: criteria provided, single submitter. Criteria: GeneDx Variant Classification Process June 2021. Collection method: clinical testing. Allele origin: germline. Affected: yes.
Comment: Not observed at significant frequency in large population cohorts (gnomAD); In silico analysis supports that this missense variant has a deleterious effect on protein structure/function; Has not been previously published as pathogenic or benign to our knowledge

NM_001365276.2(TNXB):c.4768C>G (p.Pro1590Ala)

Gene: TNXB (tenascin XB; minus strand). Cytogenetic location: 6p21.33.
Variant type: single nucleotide variant.
Coding change: c.4768C>G on transcript NM_001365276.2 (MANE Select); coding-DNA position 4768, C replaced by G.
Protein change: p.Pro1590Ala; replaces proline 1590 with alanine.
Molecular consequence: missense variant.
Genome position (GRCh38, 1-based): chr6:32,072,212, G>C on the plus strand (C>G on the coding strand, the complement: TNXB is on the minus strand). VCF-style: chr6-32072212-G-C. GRCh37 (hg19) VCF-style: chr6-32039989-G-C.
Other names: c.4768C>G, p.Pro1590Ala (NM_019105.8); short protein forms P1590A.
Identifiers: ClinVar variation 1742931 (VCV001742931.4), dbSNP rs1389734692, ClinGen allele CA363421018.